The following is an entry in ClinVar:

ClinVar aggregate classification (germline): Uncertain significance. Review status: criteria provided, single submitter (1 of 4 stars). 2 submissions from 1 submitter: Uncertain significance (1). 1 of the submissions does not count toward it. Last evaluated 2022-08-12.

Conditions:
3MC syndrome 1. Also called: CRANIOSYNOSTOSIS WITH LID ANOMALIES; OCULOPALATOSKELETAL SYNDROME; MICHELS SYNDROME. Identifiers: Orphanet 293843, MedGen C0796059, MONDO:0009770, OMIM 257920.

Submissions (2):

Labcorp Genetics (formerly Invitae), Labcorp
Classification: Uncertain significance for 3MC syndrome 1. Last evaluated: 2022-08-12. Review status: criteria provided, single submitter. Criteria: Invitae Variant Classification Sherloc (09022015). Collection method: clinical testing. Allele origin: germline.
Comment: A copy number gain of the genomic region encompassing the full coding sequence of the MASP1 gene has been identified. The boundaries of this event are unknown as they extend beyond the assayed region for this gene and therefore may encompass additional genes. As the precise location of this event is unknown, it may be in tandem or it may be located elsewhere in the genome. This variant has not been reported in the literature in individuals affected with MASP1-related conditions. In summary, the available evidence is currently insufficient to determine the role of this variant in disease. Therefore, it has been classified as a Variant of Uncertain Significance.

Labcorp Genetics (formerly Invitae), Labcorp
Classification: Uncertain significance. Last evaluated: 2022-08-12. Review status: flagged submission. Criteria: Invitae Variant Classification Sherloc (09022015). Collection method: clinical testing. Allele origin: germline. Not counted in ClinVar's aggregate classification.
Comment: A copy number gain of the genomic region encompassing the full coding sequence of the DNAJB11 gene has been identified. The boundaries of this event are unknown as they extend beyond the assayed region for this gene and therefore may encompass additional genes. As the precise location of this event is unknown, it may be in tandem or it may be located elsewhere in the genome. This variant has not been reported in the literature in individuals affected with DNAJB11-related conditions. In summary, the available evidence is currently insufficient to determine the role of this variant in disease. Therefore, it has been classified as a Variant of Uncertain Significance.
ClinVar note: Reason: This record appears to be redundant with a more recent record from the same submitter.
ClinVar note: Notes: SCV003794987 appears to be redundant with SCV003796350.

NC_000003.11:g.(?_186256485)_(187009420_?)dup

Genes: ADIPOQ (adiponectin, C1Q and collagen domain containing; plus strand), AHSG (alpha 2-HS glycoprotein; plus strand), CRYGS (crystallin gamma S; minus strand), DNAJB11 (DnaJ heat shock protein family (Hsp40) member B11; plus strand), EIF4A2 (eukaryotic translation initiation factor 4A2; plus strand) and 11 more. Cytogenetic location: 3q27.3.
Variant type: Duplication.
Identifiers: ClinVar variation 2426290 (VCV002426290.3).